The following is an entry in ClinVar:

NM_005450.6(NOG):c.101G>T (p.Arg34Leu)

Gene: NOG (noggin; plus strand). Cytogenetic location: 17q22.
Variant type: single nucleotide variant.
Coding change: c.101G>T on transcript NM_005450.6 (MANE Select); coding-DNA position 101, G replaced by T.
Protein change: p.Arg34Leu; replaces arginine 34 with leucine.
Molecular consequence: missense variant.
Genome position (GRCh38, 1-based): chr17:56,594,324, G>T. VCF-style: chr17-56594324-G-T. GRCh37 (hg19) VCF-style: chr17-54671685-G-T.
Other names: short protein forms R34L.
Identifiers: ClinVar variation 2016211 (VCV002016211.4), dbSNP rs763181672, ClinGen allele CA8663135.

ClinVar aggregate classification (germline): Uncertain significance (1 of 4 stars; one submission).

Allele frequency attached by ClinVar (database versions not stated): gnomAD exomes below 0.00001; ExAC 0.00001.

Submission:

Labcorp Genetics (formerly Invitae), Labcorp
Classification: Uncertain significance. Last evaluated: 2022-08-27. Review status: criteria provided, single submitter. Criteria: Invitae Variant Classification Sherloc (09022015). Collection method: clinical testing. Allele origin: germline.
Comment: Algorithms developed to predict the effect of missense changes on protein structure and function (SIFT, PolyPhen-2, Align-GVGD) all suggest that this variant is likely to be disruptive. In summary, the available evidence is currently insufficient to determine the role of this variant in disease. Therefore, it has been classified as a Variant of Uncertain Significance. This variant has not been reported in the literature in individuals affected with NOG-related conditions. This sequence change replaces arginine, which is basic and polar, with leucine, which is neutral and non-polar, at codon 34 of the NOG protein (p.Arg34Leu). This variant is present in population databases (rs763181672, gnomAD 0.006%).